The following is an entry in ClinVar:

ClinVar aggregate classification (germline): Uncertain significance (1 of 4 stars; one submission).

Conditions:
Beckwith-Wiedemann syndrome (BWS). Also called: Exomphalos macroglossia gigantism syndrome; EMG SYNDROME. Identifiers: Orphanet 116, MedGen C0004903, MONDO:0007534, OMIM 130650.

Allele frequency attached by ClinVar (database versions not stated): TOPMed below 0.00001.

Submission:

Labcorp Genetics (formerly Invitae), Labcorp
Classification: Uncertain significance for Beckwith-Wiedemann syndrome. Last evaluated: 2020-12-22. Review status: criteria provided, single submitter. Criteria: Invitae Variant Classification Sherloc (09022015). Collection method: clinical testing. Allele origin: germline.
Comment: Algorithms developed to predict the effect of missense changes on protein structure and function are either unavailable or do not agree on the potential impact of this missense change (SIFT: "Tolerated"; PolyPhen-2: "Not Available"; Align-GVGD: "Class C0"). In summary, the available evidence is currently insufficient to determine the role of this variant in disease. Therefore, it has been classified as a Variant of Uncertain Significance. This variant has not been reported in the literature in individuals with CDKN1C-related conditions. This variant is not present in population databases (ExAC no frequency). This sequence change replaces alanine with valine at codon 255 of the CDKN1C protein (p.Ala255Val). The alanine residue is moderately conserved and there is a small physicochemical difference between alanine and valine.

NM_001122630.2(CDKN1C):c.731C>T (p.Ala244Val)

Gene: CDKN1C (cyclin dependent kinase inhibitor 1C; minus strand). Cytogenetic location: 11p15.4.
Variant type: single nucleotide variant.
Coding change: c.731C>T on transcript NM_001122630.2 (MANE Select); coding-DNA position 731, C replaced by T.
Protein change: p.Ala244Val; replaces alanine 244 with valine.
Molecular consequence: missense variant. On other transcripts: intron variant (1).
Genome position (GRCh38, 1-based): chr11:2,884,726, G>A on the plus strand (C>T on the coding strand, the complement: CDKN1C is on the minus strand). VCF-style: chr11-2884726-G-A. GRCh37 (hg19) VCF-style: chr11-2905956-G-A.
Other names: c.764C>T, p.Ala255Val (NM_000076.2, NM_001362474.2); c.731C>T, p.Ala244Val (NM_001122631.2); c.255+476C>T (NM_001362475.2); short protein forms A244V, A255V.
Identifiers: ClinVar variation 1427973 (VCV001427973.8), dbSNP rs1848919037, ClinGen allele CA379145625.
Genomic context (GRCh38, chr11:2,884,726, plus strand): 5'-TCACCGGAGATCAGAGGCCCGGACAGCTTCTTGATCGCCGCGCCGTTGGCGCTGGCGGCC[G>A]CGGTGCCGGCCGCGGGACGTCCCGAAATCCCCGAGTGCAGCTGGTCAGCGAGAGGCTCCT-3'
Protein context (NP_001116102.1, residues 234-254): GISGRPAAGT[Ala244Val]AASANGAAIK